The following is an entry in ClinVar:

ClinVar aggregate classification (germline): Pathogenic (1 of 4 stars; one submission).

Submission:

Labcorp Genetics (formerly Invitae), Labcorp
Classification: Pathogenic. Last evaluated: 2017-01-16. Review status: criteria provided, single submitter. Criteria: Invitae Variant Classification Sherloc (09022015). Collection method: clinical testing. Allele origin: germline.
Comment: For these reasons, this variant has been classified as Pathogenic. While this particular variant has not been reported in the literature, loss-of-function variants in SMARCB1 are known to be pathogenic (PMID: 10521299, 21208904). A different variant, c.141C>A, with the same effect (p.Tyr47*) has been reported in an individual with rhabdoid tumors (PMID: 21108436). This sequence change inserts 4 nucleotides in exon 2 of the SMARCB1 mRNA (c.137_140dupGATA), causing a frameshift at codon 47. This creates a premature translational stop signal (p.Tyr47*) and is expected to result in an absent or disrupted protein product.

Literature cited by the submitters: PubMed 10521299; PubMed 21208904; PubMed 21108436.

NM_003073.5(SMARCB1):c.137_140dup (p.Tyr47Ter)

Gene: SMARCB1 (SWI/SNF related BAF chromatin remodeling complex subunit B1; plus strand). Cytogenetic location: 22q11.23.
Variant type: Duplication.
Coding change: c.137_140dup on transcript NM_003073.5 (MANE Select); coding-DNA positions 137 to 140, 4 bases duplicated (GATA; older notation c.137_140dupGATA).
Protein change: p.Tyr47Ter; replaces tyrosine 47 with a stop codon.
Molecular consequence: nonsense.
Genome position (GRCh38, 1-based): chr22:23,791,799-23,791,802, GATA duplicated; duplicating any 4 consecutive bases within chr22:23,791,798-23,791,802 gives the same sequence; the c. name uses the placement nearest the transcript's 3' end. VCF-style (leftmost placement, unchanged base first): chr22-23791797-G-GAGAT. GRCh37 (hg19) VCF-style: chr22-24133984-G-GAGAT.
Other names: c.137_140dup (LRG_520t1); c.137_140dup, p.Tyr47Ter (NM_001007468.3, NM_001317946.2, NM_001362877.2); c.137_140dupGATA (NM_003073.3); short protein forms Y47*.
Identifiers: ClinVar variation 464322 (VCV000464322.9), dbSNP rs1555875892, ClinGen allele CA658658906.